The following is an entry in ClinVar:

NM_014045.5(LRP10):c.1799G>A (p.Arg600His)

Gene: LRP10 (LDL receptor related protein 10; plus strand). Cytogenetic location: 14q11.2.
Variant type: single nucleotide variant.
Coding change: c.1799G>A on transcript NM_014045.5 (MANE Select); coding-DNA position 1799, G replaced by A.
Protein change: p.Arg600His; replaces arginine 600 with histidine.
Molecular consequence: missense variant. On other transcripts: intron variant (1).
Genome position (GRCh38, 1-based): chr14:22,877,184, G>A. VCF-style: chr14-22877184-G-A. GRCh37 (hg19) VCF-style: chr14-23346393-G-A.
Other names: c.1668+131G>A (NM_001329226.2); short protein forms R600H.
Identifiers: ClinVar variation 3044044 (VCV003044044.2), dbSNP rs139012932, ClinGen allele CA7106024.

ClinVar aggregate classification (germline): Benign (0 of 4 stars; one submission).

Conditions:
LRP10-related disorder. Also called: LRP10-related condition.

Allele frequency attached by ClinVar (database versions not stated): ExAC 0.00063; 1000 Genomes Project 30x 0.00187; 1000 Genomes Project 0.00220; TOPMed 0.00234; ESP Exome Variant Server 0.00262.
gnomAD v4.1: 580 of 1,597,336 alleles (0.036%); highest among the groups gnomAD compares: African/African-American, 0.68%; 4 homozygotes.

Submission:

PreventionGenetics, part of Exact Sciences
Classification: Benign for LRP10-related condition. Last evaluated: 2020-07-27. Review status: no assertion criteria provided. Collection method: clinical testing. Allele origin: germline.
Comment: This variant is classified as benign based on ACMG/AMP sequence variant interpretation guidelines (Richards et al. 2015 PMID: 25741868, with internal and published modifications).